The following is an entry in ClinVar:

ClinVar aggregate classification (germline): Likely benign. Review status: criteria provided, multiple submitters, no conflicts (2 of 4 stars). 3 submissions from 3 submitters: Likely benign (3). Last evaluated 2025-05-27.

Conditions:
Hereditary cancer-predisposing syndrome. Also called: Tumor predisposition; Hereditary Cancer Syndrome; Hereditary neoplastic syndrome; Neoplastic Syndromes, Hereditary. Identifiers: Orphanet 140162, MedGen C0027672, MeSH D009386, MONDO:0015356.
Familial adenomatous polyposis 2. Also called: MUTYH Polyposis; MYH-associated polyposis; MUTYH-associated polyposis; MUTYH-related attenuated familial adenomatous polyposis; COLORECTAL ADENOMATOUS POLYPOSIS, AUTOSOMAL RECESSIVE; ADENOMAS, MULTIPLE COLORECTAL, AUTOSOMAL RECESSIVE. Identifiers: Orphanet 220460, Orphanet 247798, MedGen C3272841, MONDO:0012041, OMIM 608456.

Submissions (3):

Labcorp Genetics (formerly Invitae), Labcorp
Classification: Likely benign for Familial adenomatous polyposis 2. Last evaluated: 2025-05-27. Review status: criteria provided, single submitter. Criteria: Invitae Variant Classification Sherloc (09022015). Collection method: clinical testing. Allele origin: germline.

Ambry Genetics
Classification: Likely benign for Hereditary cancer-predisposing syndrome. Last evaluated: 2022-10-31. Review status: criteria provided, single submitter. Criteria: Ambry Variant Classification Scheme 2023. Collection method: clinical testing. Allele origin: germline.

Women's Health and Genetics/Laboratory Corporation of America, LabCorp
Classification: Likely benign. Last evaluated: 2022-05-31. Review status: criteria provided, single submitter. Criteria: LabCorp Variant Classification Summary - May 2015. Collection method: clinical testing. Allele origin: germline.
Comment: Variant summary: MUTYH c.951C>T affects a non-conserved nucleotide and results in a synonymous change. 4/4 computational tools predict no significant impact on normal splicing. The variant was absent in 251468 control chromosomes(gnomAD). To our knowledge, no occurrence of c.951C>T in individuals affected with MUTYH-Associated Polyposis and no experimental evidence demonstrating its impact on protein function have been reported. One clinical diagnostic laboratory has submitted clinical-significance assessments for this variant to ClinVar after 2014 without evidence for independent evaluation and classified the variant as likely benign. Based on the evidence outlined above, the variant was classified as likely benign.

NM_001048174.2(MUTYH):c.867C>T (p.Leu289=)

Gene: MUTYH (mutY DNA glycosylase; minus strand). Cytogenetic location: 1p34.1.
Variant type: single nucleotide variant.
Coding change: c.867C>T on transcript NM_001048174.2 (MANE Select); coding-DNA position 867, C replaced by T.
Protein change: p.Leu289=; no amino-acid change (leucine 289 retained).
Molecular consequence: synonymous variant. On other transcripts: non-coding transcript variant (2).
Genome position (GRCh38, 1-based): chr1:45,332,069, G>A on the plus strand (C>T on the coding strand, the complement: MUTYH is on the minus strand). VCF-style: chr1-45332069-G-A. GRCh37 (hg19) VCF-style: chr1-45797741-G-A.
Other names: c.867C>T, p.Leu289= (NM_001048171.2, NM_001048173.2, NM_001293195.2); c.870C>T, p.Leu290= (NM_001048172.2); c.951C>T, p.Leu317= (NM_001128425.2); c.912C>T, p.Leu304= (NM_001293190.2); c.900C>T, p.Leu300= (NM_001293191.2); c.591C>T, p.Leu197= (NM_001293192.2, NM_001293196.2); c.522C>T, p.Leu174= (NM_001350650.2, NM_001350651.2); c.942C>T, p.Leu314= (NM_012222.3).
Identifiers: ClinVar variation 1588725 (VCV001588725.12), dbSNP rs11211096, ClinGen allele CA417879881.
Genomic context (GRCh38, chr1:45,332,069, plus strand): 5'-GGTTTGGTGCTCACCACACTCCTCCACGTCAGGACTGCCCGACAGGCTCCCTGAGGCTAA[G>A]AGCTGTTCCTGCTCCACCTGAGAGGCACAGGGTTGAGTGTCATAGGGCAGAGTCACTCCT-3'
Protein context (NP_001041639.1, residues 279-299): RARQRVEQEQ[Leu289=]LASGSLSGSP